The following is an entry in ClinVar:

NM_000169.3(GLA):c.263A>G (p.Tyr88Cys)

Genes: GLA (galactosidase alpha; minus strand), RPL36A-HNRNPH2 (RPL36A-HNRNPH2 readthrough; plus strand). Cytogenetic location: Xq22.1.
Variant type: single nucleotide variant.
Coding change: c.263A>G on transcript NM_000169.3 (MANE Select); coding-DNA position 263, A replaced by G.
Protein change: p.Tyr88Cys; replaces tyrosine 88 with cysteine.
Molecular consequence: missense variant. On other transcripts: non-coding transcript variant (3), intron variant (2).
Genome position (GRCh38, 1-based): chrX:101,403,917, T>C on the plus strand (A>G on the coding strand, the complement: GLA is on the minus strand). VCF-style: chrX-101403917-T-C. GRCh37 (hg19) VCF-style: chrX-100658905-T-C.
Other names: c.386A>G, p.Tyr129Cys (NM_001406747.1, NM_001406749.1); c.263A>G, p.Tyr88Cys (NM_001406748.1); c.301-8019T>C (NM_001199973.2); c.178-8019T>C (NM_001199974.2); short protein forms Y129C, Y88C.
Identifiers: ClinVar variation 4087317 (VCV004087317.3).

ClinVar aggregate classification (germline): Likely pathogenic (1 of 4 stars; one submission).

Conditions:
Fabry disease. Also called: ALPHA-GALACTOSIDASE A DEFICIENCY; ANDERSON-FABRY DISEASE; CERAMIDE TRIHEXOSIDASE DEFICIENCY; GLA DEFICIENCY; HEREDITARY DYSTOPIC LIPIDOSIS; Angiokeratoma corporis diffusum. Identifiers: Orphanet 324, MedGen C0002986, MONDO:0010526, OMIM 301500, HP:0001071. Disease mechanism: Fabry disease is due to inactivating mutations in the X-linked GLA gene resulting in deficiency of the enzyme Alpha Galactosidase-A., loss of function.

Submission:

Genomenon, Inc
Classification: Likely pathogenic for Fabry disease. Last evaluated: 2026-09-08. Review status: criteria provided, single submitter. Criteria: Genomenon Sequence Variant Interpretation Standards - Updated. Collection method: curation. Allele origin: germline. Affected: yes.
Comment: GLA p.Tyr88Cys (c.263A>G) is a missense variant that changes the amino acid at codon 88 from Tyrosine to Cysteine. This variant has been observed in at least one proband with clinical features consistent with Fabry disease (PMID:27776503;27560961). The variant was found to segregate with disease in at least one affected family (PMID:27776503). Functional or patient cell studies have been reported (PMID:27776503;36814269;27560961). This variant is located in a mutational hotspot and/or important functional domain. It is absent or not present at a significant frequency in gnomAD. In silico models predict that this variant is possibly or probably damaging. In conclusion, we classify GLA p.Tyr88Cys (c.263A>G) as a likely pathogenic variant.

Literature cited by the submitters: PubMed 27776503; PubMed 27560961; PubMed 36814269.